The following is an entry in ClinVar:

NM_001202.6(BMP4):c.935C>T (p.Ser312Leu)

Gene: BMP4 (bone morphogenetic protein 4; minus strand). Cytogenetic location: 14q22.2.
Variant type: single nucleotide variant.
Coding change: c.935C>T on transcript NM_001202.6 (MANE Select); coding-DNA position 935, C replaced by T.
Protein change: p.Ser312Leu; replaces serine 312 with leucine.
Molecular consequence: missense variant.
Genome position (GRCh38, 1-based): chr14:53,950,324, G>A on the plus strand (C>T on the coding strand, the complement: BMP4 is on the minus strand). VCF-style: chr14-53950324-G-A. GRCh37 (hg19) VCF-style: chr14-54417042-G-A.
Other names: c.1076C>T, p.Ser359Leu (NM_001347912.1); c.746C>T, p.Ser249Leu (NM_001347913.2, NM_001347915.2, NM_001347917.1); c.935C>T, p.Ser312Leu (NM_001347914.2, NM_001347916.1, NM_130850.5 and 1 more transcripts); short protein forms S249L, S312L, S359L.
Identifiers: ClinVar variation 1006001 (VCV001006001.13), dbSNP rs778093557, ClinGen allele CA7191641.

ClinVar aggregate classification (germline): Uncertain significance. Review status: criteria provided, multiple submitters, no conflicts (2 of 4 stars). 3 submissions from 3 submitters: Uncertain significance (3). Last evaluated 2025-05-19.

Conditions:
Microphthalmia with brain and digit anomalies (MCOPS6). Also called: MICROPHTHALMIA AND PITUITARY ANOMALIES; Microphthalmia, syndromic 6. Identifiers: Orphanet 139471, MedGen C1864689, MONDO:0011936, OMIM 607932.
Orofacial cleft 11 (OFC11). Also called: CLEFT LIP WITH OR WITHOUT CLEFT PALATE, NONSYNDROMIC, 11; Orofacial cleft 11; ofc11. Identifiers: MedGen C2677434, MONDO:0010906, OMIM 600625.

Allele frequency attached by ClinVar (database versions not stated): ExAC 0.00001; gnomAD 0.00001 and 0.00002; gnomAD exomes 0.00002; TOPMed 0.00002.
gnomAD v4.1: 30 of 1,614,108 alleles (0.0019%); highest among the groups gnomAD compares: Middle Eastern, 0.016%; no homozygotes.

Submissions (3):

Labcorp Genetics (formerly Invitae), Labcorp
Classification: Uncertain significance for Microphthalmia with brain and digit anomalies; Orofacial cleft 11. Last evaluated: 2025-05-19. Review status: criteria provided, single submitter. Criteria: Invitae Variant Classification Sherloc (09022015). Collection method: clinical testing. Allele origin: germline.
Comment: This sequence change replaces serine, which is neutral and polar, with leucine, which is neutral and non-polar, at codon 312 of the BMP4 protein (p.Ser312Leu). This variant is present in population databases (rs778093557, gnomAD 0.003%). This variant has not been reported in the literature in individuals affected with BMP4-related conditions. ClinVar contains an entry for this variant (Variation ID: 1006001). Invitae Evidence Modeling of protein sequence and biophysical properties (such as structural, functional, and spatial information, amino acid conservation, physicochemical variation, residue mobility, and thermodynamic stability) indicates that this missense variant is not expected to disrupt BMP4 protein function with a negative predictive value of 80%. In summary, the available evidence is currently insufficient to determine the role of this variant in disease. Therefore, it has been classified as a Variant of Uncertain Significance.

Blueprint Genetics
Classification: Uncertain significance. Last evaluated: 2024-06-12. Review status: criteria provided, single submitter. Criteria: ACMG Guidelines, 2015. Collection method: clinical testing. Allele origin: germline.

Fulgent Genetics
Classification: Uncertain significance for Orofacial cleft 11; Microphthalmia with brain and digit anomalies. Last evaluated: 2024-04-12. Review status: criteria provided, single submitter. Criteria: ACMG Guidelines, 2015. Collection method: clinical testing. Allele origin: germline.